The following is an entry in ClinVar:

ClinVar aggregate classification (germline): Uncertain significance. Review status: criteria provided, multiple submitters, no conflicts (2 of 4 stars). 4 submissions from 4 submitters: Uncertain significance (4). Last evaluated 2025-10-05.

Conditions:
Cardiovascular phenotype. Identifiers: MedGen CN230736.
Cardiomyopathy (CMYO). Also called: Cardiomyopathies. Identifiers: Orphanet 167848, MedGen C0878544, MONDO:0004994, HP:0001638. Inheritance: Various modes of inheritance.
Hypertrophic cardiomyopathy. Also called: HYPERTROPHIC MYOCARDIOPATHY. Identifiers: Orphanet 217569, MedGen C0007194, MeSH D002312, MONDO:0005045, HP:0001639.

Allele frequency attached by ClinVar (database versions not stated): gnomAD exomes below 0.00001 and 0.00001; TOPMed below 0.00001.
gnomAD v4.1: 2 of 1,612,880 alleles (0.00012%); highest among the groups gnomAD compares: Admixed American, 0.0033%; no homozygotes.

Submissions (4):

Color Diagnostics, LLC DBA Color Health
Classification: Uncertain significance for Cardiomyopathy. Last evaluated: 2025-10-05. Review status: criteria provided, single submitter. Criteria: ACMG Guidelines, 2015. Collection method: clinical testing. Allele origin: germline.
Comment: This missense variant replaces lysine with glutamic acid at codon 1081 of the MYH7 protein. Computational prediction suggests that this variant may have deleterious impact on protein structure and function. To our knowledge, functional studies have not been reported for this variant. This variant has not been reported in individuals affected with MYH7-related disorders in the literature. This variant has been identified in 2/1460596 chromosomes in the general population by the Genome Aggregation Database (gnomAD). The available evidence is insufficient to determine the role of this variant in disease conclusively. Therefore, this variant is classified as a Variant of Uncertain Significance.

Labcorp Genetics (formerly Invitae), Labcorp
Classification: Uncertain significance for Hypertrophic cardiomyopathy. Last evaluated: 2023-12-03. Review status: criteria provided, single submitter. Criteria: Invitae Variant Classification Sherloc (09022015). Collection method: clinical testing. Allele origin: germline.
Comment: This sequence change replaces lysine, which is basic and polar, with glutamic acid, which is acidic and polar, at codon 1081 of the MYH7 protein (p.Lys1081Glu). This variant is present in population databases (rs730880771, gnomAD 0.006%). This variant has not been reported in the literature in individuals affected with MYH7-related conditions. ClinVar contains an entry for this variant (Variation ID: 181219). Advanced modeling of protein sequence and biophysical properties (such as structural, functional, and spatial information, amino acid conservation, physicochemical variation, residue mobility, and thermodynamic stability) performed at Invitae indicates that this missense variant is expected to disrupt MYH7 protein function with a positive predictive value of 95%. In summary, the available evidence is currently insufficient to determine the role of this variant in disease. Therefore, it has been classified as a Variant of Uncertain Significance.

Ambry Genetics
Classification: Uncertain significance for Cardiovascular phenotype. Last evaluated: 2023-06-30. Review status: criteria provided, single submitter. Criteria: Ambry Variant Classification Scheme 2023. Collection method: clinical testing. Allele origin: germline.
Comment: The p.K1081E variant (also known as c.3241A>G), located in coding exon 23 of the MYH7 gene, results from an A to G substitution at nucleotide position 3241. The lysine at codon 1081 is replaced by glutamic acid, an amino acid with similar properties. This amino acid position is highly conserved in available vertebrate species. In addition, this alteration is predicted to be deleterious by in silico analysis. Since supporting evidence is limited at this time, the clinical significance of this alteration remains unclear.

GeneDx
Classification: Uncertain significance. Last evaluated: 2012-05-30. Review status: criteria provided, single submitter. Criteria: GeneDx Variant Classification (06012015). Collection method: clinical testing. Allele origin: germline. Affected: yes.
Comment: p.Lys1081Glu (AAA>GAA): c.3241 A>G in exon 25 of the MYH7 gene (NM_000257.2). The Lys1081Glu variant in the MYH7 gene has not been reported previously as a disease-causing mutation nor as a benign polymorphism, to our knowledge. Lys1081Glu results in a non-conservative amino acid substitution of a positively charged Lysine with a negatively charged Glutamic acid at a residue that is conserved across species. The NHLBI ESP Exome Variant Server reports Lys1081Glu was not observed in approximately 5,000 samples from individuals of European and African American backgrounds, indicating it is not a common benign variant in these populations. However, data from control individuals of other ethnic backgrounds were not available to assess for a population-specific benign variant. In summary, the clinical significance of the Lys1081Glu variant in the MYH7 gene is currently unknown. The variant is found in HCM panel(s).

NM_000257.4(MYH7):c.3241A>G (p.Lys1081Glu)

Gene: MYH7 (myosin heavy chain 7; minus strand). Cytogenetic location: 14q11.2.
Variant type: single nucleotide variant.
Coding change: c.3241A>G on transcript NM_000257.4 (MANE Select); coding-DNA position 3241, A replaced by G.
Protein change: p.Lys1081Glu; replaces lysine 1081 with glutamic acid.
Molecular consequence: missense variant.
Genome position (GRCh38, 1-based): chr14:23,422,184, T>C on the plus strand (A>G on the coding strand, the complement: MYH7 is on the minus strand). VCF-style: chr14-23422184-T-C. GRCh37 (hg19) VCF-style: chr14-23891393-T-C.
Other names: p.K1081E:AAA>GAA; c.3241A>G (LRG_384t1); short protein forms K1081E.
Identifiers: ClinVar variation 181219 (VCV000181219.12), dbSNP rs730880771, ClinGen allele CA013486.